The following is an entry in ClinVar:

ClinVar aggregate classification (germline): Likely benign. Review status: criteria provided, single submitter (1 of 4 stars). 2 submissions from 2 submitters: Likely benign (1). 1 of the submissions does not count toward it. Last evaluated 2019-12-31.

Conditions:
MICU2-related disorder. Also called: MICU2-related condition; MICU2-Related Disorders.

Allele frequency attached by ClinVar (database versions not stated): 1000 Genomes Project 30x 0.00265; 1000 Genomes Project 0.00280; gnomAD exomes 0.00301 and 0.00444; ExAC 0.00321; gnomAD 0.00349 and 0.00350; TOPMed 0.00399; ESP Exome Variant Server 0.00400.
gnomAD v4.1: 7,047 of 1,610,716 alleles (0.44%); highest among the groups gnomAD compares: Non-Finnish European, 0.54%; 20 homozygotes.

Submissions (2):

Labcorp Genetics (formerly Invitae), Labcorp
Classification: Likely benign. Last evaluated: 2019-12-31. Review status: criteria provided, single submitter. Criteria: Invitae Variant Classification Sherloc (09022015). Collection method: clinical testing. Allele origin: germline.

PreventionGenetics, part of Exact Sciences
Classification: Likely benign for MICU2-related condition. Last evaluated: 2023-07-31. Review status: no assertion criteria provided. Collection method: clinical testing. Allele origin: germline. Not counted in ClinVar's aggregate classification.
Comment: This variant is classified as likely benign based on ACMG/AMP sequence variant interpretation guidelines (Richards et al. 2015 PMID: 25741868, with internal and published modifications).

NM_152726.3(MICU2):c.917A>T (p.Lys306Met)

Gene: MICU2 (mitochondrial calcium uptake 2; minus strand). Cytogenetic location: 13q12.11.
Variant type: single nucleotide variant.
Coding change: c.917A>T on transcript NM_152726.3 (MANE Select); coding-DNA position 917, A replaced by T.
Protein change: p.Lys306Met; replaces lysine 306 with methionine.
Molecular consequence: missense variant.
Genome position (GRCh38, 1-based): chr13:21,502,942, T>A on the plus strand (A>T on the coding strand, the complement: MICU2 is on the minus strand). VCF-style: chr13-21502942-T-A. GRCh37 (hg19) VCF-style: chr13-22077081-T-A.
Other names: short protein forms K306M.
Identifiers: ClinVar variation 782570 (VCV000782570.6), dbSNP rs145503945, ClinGen allele CA6908990.